The following is an entry in ClinVar:

NM_001039141.3(TRIOBP):c.6556G>A (p.Gly2186Ser)

Gene: TRIOBP (TRIO and F-actin binding protein; plus strand). Cytogenetic location: 22q13.1.
Variant type: single nucleotide variant.
Coding change: c.6556G>A on transcript NM_001039141.3 (MANE Select); coding-DNA position 6556, G replaced by A.
Protein change: p.Gly2186Ser; replaces glycine 2186 with serine.
Molecular consequence: missense variant.
Genome position (GRCh38, 1-based): chr22:37,768,157, G>A. VCF-style: chr22-37768157-G-A. GRCh37 (hg19) VCF-style: chr22-38164164-G-A.
Other names: c.1417G>A, p.Gly473Ser (NM_007032.5); short protein forms G2186S, G473S.
Identifiers: ClinVar variation 228040 (VCV000228040.44), dbSNP rs191901426, ClinGen allele CA10225090.
Genomic context (GRCh38, chr22:37,768,157, plus strand): 5'-TACCAGGAAGAGCTGAGCCGAGAGCTGAGCAAAACACGGAGTCTCCAGCAGGGCCCGGAT[G>A]GCCTCCGGAAGCAGCACCAGTAAGATGATGCCGGGGCCCAACTGCCCACCCTGATGGTTA-3'
Protein context (NP_001034230.1, residues 2176-2196): KTRSLQQGPD[Gly2186Ser]LRKQHQSDVE

ClinVar aggregate classification (germline): Conflicting classifications of pathogenicity. Review status: criteria provided, conflicting classifications (1 of 4 stars). 9 submissions from 9 submitters: Uncertain significance (2); Likely benign (6). 1 of the submissions does not count toward it. Last evaluated 2026-02-10.

Conditions:
TRIOBP-related disorder. Also called: TRIOBP-related condition.

Allele frequency attached by ClinVar (database versions not stated): gnomAD 0.00031 and 0.00038; TOPMed 0.00040; gnomAD exomes 0.00041 and 0.00044; ExAC 0.00057; ESP Exome Variant Server 0.00057; 1000 Genomes Project 0.00060; 1000 Genomes Project 30x 0.00062.

Submissions (9):

PreventionGenetics, part of Exact Sciences
Classification: Uncertain significance for TRIOBP-related condition. Last evaluated: 2026-02-10. Review status: criteria provided, single submitter. Criteria: ACMG Guidelines, 2015. Collection method: clinical testing. Allele origin: germline.
Comment: The TRIOBP c.6556G>A variant is predicted to result in the amino acid substitution p.Gly2186Ser. The variant was found in a patient from a hearing loss cohort, but no clinical or functional evidence was provided for this variant and the patient had other candidate variants (Supplemental data in Shearer AE et al. 2013. PubMed ID: 23804846). This variant is reported in 0.073% of alleles in individuals of South Asian descent in gnomAD. Although we suspect that this variant may be benign, at this time, the clinical significance of this variant is uncertain due to the absence of conclusive functional and genetic evidence.

Labcorp Genetics (formerly Invitae), Labcorp
Classification: Likely benign. Last evaluated: 2025-09-15. Review status: criteria provided, single submitter. Criteria: Invitae Variant Classification Sherloc (09022015). Collection method: clinical testing. Allele origin: germline.

CeGaT Center for Human Genetics Tuebingen
Classification: Likely benign. Last evaluated: 2025-02-01. Review status: criteria provided, single submitter. Criteria: CeGaT Center For Human Genetics Tuebingen Variant Classification Criteria Version 2. Collection method: clinical testing. Allele origin: germline. Affected: yes. Observed: 2 variant alleles.
Comment: TRIOBP: BP4, BS2

Blueprint Genetics
Classification: Likely benign. Last evaluated: 2024-11-07. Review status: criteria provided, single submitter. Criteria: ACMG Guidelines, 2015. Collection method: clinical testing. Allele origin: germline.

Women's Health and Genetics/Laboratory Corporation of America, LabCorp
Classification: Uncertain significance. Last evaluated: 2022-09-06. Review status: criteria provided, single submitter. Criteria: LabCorp Variant Classification Summary - May 2015. Collection method: clinical testing. Allele origin: germline.
Comment: Variant summary: TRIOBP c.6556G>A (p.Gly2186Ser) results in a non-conservative amino acid change in the encoded protein sequence. Four of five in-silico tools predict a benign effect of the variant on protein function. The variant allele was found at a frequency of 0.00044 in 246352 control chromosomes in the gnomAD database, including 1 homozygote. c.6556G>A has been reported in the literature in an individual affected with Nonsyndromic Hearing Loss (Shearer_2013). This report does not provide unequivocal conclusions about association of the variant with Autosomal Recessive Nonsyndromic Hearing Loss 28. To our knowledge, no experimental evidence demonstrating an impact on protein function has been reported. Three clinical diagnostic laboratories have submitted clinical-significance assessments for this variant to ClinVar after 2014 and all classified the variant as likely benign. Based on the evidence outlined above, the variant was classified as uncertain significance.

GeneDx
Classification: Likely benign. Last evaluated: 2021-09-21. Review status: criteria provided, single submitter. Criteria: GeneDx Variant Classification Process June 2021. Collection method: clinical testing. Allele origin: germline. Affected: yes.

Laboratory for Molecular Medicine, Mass General Brigham Personalized Medicine
Classification: Likely benign. Last evaluated: 2015-06-23. Review status: criteria provided, single submitter. Criteria: LMM Criteria. Collection method: clinical testing. Allele origin: germline. Observed: 1 variant allele.
Comment: p.Gly2186Ser in exon 19 of TRIOBP: This variant is not expected to have clinical significance due to a lack of conservation across species, including mammals. O f note, 6 mammals (mouse, rat, tenrec, opossum, Tasmanian devil, and wallaby) ha ve a serine (Ser) at this position despite high nearby amino acid conservation. This variant has been identified in 0.1% (11/13630) of South Asian chromosomes a nd 0.06% (35/54590) of European chromosomes by the Exome Aggregation Consortium (ExAC; dbSNP rs191901426).

Breakthrough Genomics
Classification: Likely benign. Review status: criteria provided, single submitter. Criteria: ACMG Guidelines, 2015. Collection method: not provided. Allele origin: germline. Inheritance: Autosomal recessive inheritance. Affected: yes.

Department of Pathology and Laboratory Medicine, Sinai Health System
Classification: Likely benign. Review status: no assertion criteria provided. Collection method: clinical testing. Allele origin: unknown. Affected: yes. Study: The Canadian Open Genetics Repository (COGR). Not counted in ClinVar's aggregate classification.
Comment: The TRIOBP p.Gly2186Ser variant was not identified in the literature nor was it identified in Cosmic. The variant was identified in dbSNP (ID: rs191901426), ClinVar (classified as likely benignâ€šÃ„Ã£ by Laboratory for Molecular Medicine,Partners HealthCare Personalized Medicine and GeneDx) and LOVD 3.0 (classified as likely benign). The variant was also identified in control databases in 114 of 277736 chromosomes (1 homozygous) at a frequency of 0.00041 increasing the likelihood this could be a low frequency benign variant (Genome Aggregation Database March 6, 2019, v2.1.1). The variant was observed in the following populations: Other in 6 of 7084 chromosomes (freq: 0.000847), South Asian in 22 of 30178 chromosomes (freq: 0.000729), European (non-Finnish) in 70 of 127052 chromosomes (freq: 0.000551), African in 8 of 23882 chromosomes (freq: 0.000335), Latino in 7 of 35074 chromosomes (freq: 0.0002) and Ashkenazi Jewish in 1 of 10298 chromosomes (freq: 0.000097), while the variant was not observed in the East Asian and European (Finnish) populations. The variant occurs outside of the splicing consensus sequence and in silico or computational prediction software programs (SpliceSiteFinder, MaxEntScan, NNSPLICE, GeneSplicer) do not predict a difference in splicing. The p.Gly2186 residue is not conserved in mammals and computational analyses (PolyPhen-2, SIFT, AlignGVGD, BLOSUM, MutationTaster) do not suggest a high likelihood of impact to the protein; however, this information is not predictive enough to rule out pathogenicity. In summary, based on the above information the clinical significance of this variant cannot be determined with certainty at this time although we would lean towards a more benign role for this variant. This variant is classified as likely benign.

Literature cited by the submitters: PubMed 23804846 (cited by Women's Health and Genetics/Laboratory Corporation of America, LabCorp).